The following is an entry in ClinVar:

NM_001199397.3(NEK1):c.1889G>A (p.Arg630His)

Gene: NEK1 (NIMA related kinase 1; minus strand). Cytogenetic location: 4q33.
Variant type: single nucleotide variant.
Coding change: c.1889G>A on transcript NM_001199397.3 (MANE Select); coding-DNA position 1889, G replaced by A.
Protein change: p.Arg630His; replaces arginine 630 with histidine.
Molecular consequence: missense variant. On other transcripts: non-coding transcript variant (1).
Genome position (GRCh38, 1-based): chr4:169,507,737, C>T on the plus strand (G>A on the coding strand, the complement: NEK1 is on the minus strand). VCF-style: chr4-169507737-C-T. GRCh37 (hg19) VCF-style: chr4-170428888-C-T.
Other names: c.1757G>A, p.Arg586His (NM_001199398.3); c.1598G>A, p.Arg533His (NM_001199399.3); c.1673G>A, p.Arg558His (NM_001199400.3); c.1889G>A, p.Arg630His (NM_001374418.1); c.1805G>A, p.Arg602His (NM_001374419.1, NM_012224.4); c.1754G>A, p.Arg585His (NM_001374420.1); c.1679G>A, p.Arg560His (NM_001374421.1); short protein forms R560H, R585H, R533H, R602H, R630H, R558H, R586H.
Identifiers: ClinVar variation 2915133 (VCV002915133.3), dbSNP rs367957311, ClinGen allele CA3137593.

ClinVar aggregate classification (germline): Uncertain significance (1 of 4 stars; one submission).

Conditions:
Short-rib thoracic dysplasia 6 with or without polydactyly (SRTD6). Also called: Majewski Syndrome; POLYDACTYLY WITH NEONATAL CHONDRODYSTROPHY, TYPE II; SHORT RIB-POLYDACTYLY SYNDROME, TYPE IIA; SHORT-RIB THORACIC DYSPLASIA 6 WITH POLYDACTYLY; SHORT-RIB THORACIC DYSPLASIA 6 WITHOUT POLYDACTYLY. Identifiers: MedGen C0024507, MONDO:0009894, OMIM 263520.

Allele frequency attached by ClinVar (database versions not stated): TOPMed 0.00002; ExAC 0.00005; ESP Exome Variant Server 0.00008.
gnomAD v4.1: 35 of 1,611,630 alleles (0.0022%); highest among the groups gnomAD compares: South Asian, 0.02%; no homozygotes.

Submission:

Labcorp Genetics (formerly Invitae), Labcorp
Classification: Uncertain significance for Short-rib thoracic dysplasia 6 with or without polydactyly. Last evaluated: 2023-10-06. Review status: criteria provided, single submitter. Criteria: Invitae Variant Classification Sherloc (09022015). Collection method: clinical testing. Allele origin: germline.
Comment: This sequence change replaces arginine, which is basic and polar, with histidine, which is basic and polar, at codon 602 of the NEK1 protein (p.Arg602His). The frequency data for this variant in the population databases is considered unreliable, as metrics indicate poor data quality at this position in the gnomAD database. This missense change has been observed in individual(s) with amyotrophic lateral sclerosis (PMID: 33445179). This variant is also known as c.1889G>A (p.Arg630His). Advanced modeling of protein sequence and biophysical properties (such as structural, functional, and spatial information, amino acid conservation, physicochemical variation, residue mobility, and thermodynamic stability) performed at Invitae indicates that this missense variant is not expected to disrupt NEK1 protein function. In summary, the available evidence is currently insufficient to determine the role of this variant in disease. Therefore, it has been classified as a Variant of Uncertain Significance.

Literature cited by the submitters: PubMed 33445179.